The following is an entry in ClinVar:

ClinVar aggregate classification (germline): Uncertain significance. Review status: criteria provided, multiple submitters, no conflicts (2 of 4 stars). 2 submissions from 2 submitters: Uncertain significance (2). Last evaluated 2024-03-20.

Conditions:
Inborn genetic diseases. Identifiers: MedGen C0950123, MeSH D030342.
Congenital muscular hypertrophy-cerebral syndrome (CDLS2). Also called: SMC1A-Related Cornelia de Lange Syndrome; Cornelia de Lange syndrome 2. Identifiers: Orphanet 199, MedGen C1802395, MONDO:0010370, OMIM 300590.

Submissions (2):

Labcorp Genetics (formerly Invitae), Labcorp
Classification: Uncertain significance for Congenital muscular hypertrophy-cerebral syndrome. Last evaluated: 2024-03-20. Review status: criteria provided, single submitter. Criteria: Invitae Variant Classification Sherloc (09022015). Collection method: clinical testing. Allele origin: germline.
Comment: This sequence change replaces serine, which is neutral and polar, with asparagine, which is neutral and polar, at codon 1213 of the SMC1A protein (p.Ser1213Asn). This variant is not present in population databases (gnomAD no frequency). This variant has not been reported in the literature in individuals affected with SMC1A-related conditions. ClinVar contains an entry for this variant (Variation ID: 588278). Advanced modeling of protein sequence and biophysical properties (such as structural, functional, and spatial information, amino acid conservation, physicochemical variation, residue mobility, and thermodynamic stability) performed at Invitae indicates that this missense variant is expected to disrupt SMC1A protein function with a positive predictive value of 80%. In summary, the available evidence is currently insufficient to determine the role of this variant in disease. Therefore, it has been classified as a Variant of Uncertain Significance.

Ambry Genetics
Classification: Uncertain significance for Inborn genetic diseases. Last evaluated: 2016-09-16. Review status: criteria provided, single submitter. Criteria: Ambry Variant Classification Scheme 2023. Collection method: clinical testing. Allele origin: germline.
Comment: The p.S1213N variant (also known as c.3638G>A), located in coding exon 25 of the SMC1A gene, results from a G to A substitution at nucleotide position 3638. The serine at codon 1213 is replaced by asparagine, an amino acid with highly similar properties. This variant was not reported in population based cohorts in the following databases: Database of Single Nucleotide Polymorphisms (dbSNP), NHLBI Exome Sequencing Project (ESP), and 1000 Genomes Project. In the ESP, this variant was not observed in 6503 samples with coverage at this position. This amino acid position is highly conserved in available vertebrate species. In addition, the in silico prediction for this alteration is inconclusive. Since supporting evidence is limited at this time, the clinical significance of this variant remains unclear.

NM_006306.4(SMC1A):c.3638G>A (p.Ser1213Asn)

Gene: SMC1A (structural maintenance of chromosomes 1A; minus strand). Cytogenetic location: Xp11.22.
Variant type: single nucleotide variant.
Coding change: c.3638G>A on transcript NM_006306.4 (MANE Select); coding-DNA position 3638, G replaced by A.
Protein change: p.Ser1213Asn; replaces serine 1213 with asparagine.
Molecular consequence: missense variant.
Genome position (GRCh38, 1-based): chrX:53,380,167, C>T on the plus strand (G>A on the coding strand, the complement: SMC1A is on the minus strand). VCF-style: chrX-53380167-C-T. GRCh37 (hg19) VCF-style: chrX-53407088-C-T.
Other names: c.3572G>A, p.Ser1191Asn (NM_001281463.1); short protein forms S1191N, S1213N.
Identifiers: ClinVar variation 588278 (VCV000588278.7), dbSNP rs1569351352, ClinGen allele CA413241605.
Genomic context (GRCh38, chrX:53,380,167, plus strand): 5'-TGCTCATTGGGGTTGGGGTTGGCATCTGGGTACTTGGTGAGGTCGAAGGTCAGGACTTTG[C>T]TGATCACACAGTCCCCTTGCTGAAGGAGGAGGGAGAAAAAGAAAAATAAAATTGTAAGGA-3'
Protein context (NP_006297.2, residues 1203-1223): VYPEQGDCVI[Ser1213Asn]KVLTFDLTKY